The following is an entry in ClinVar:

NM_001377.3(DYNC2H1):c.1760G>T (p.Arg587Leu)

Gene: DYNC2H1 (dynein cytoplasmic 2 heavy chain 1; plus strand). Cytogenetic location: 11q22.3.
Variant type: single nucleotide variant.
Coding change: c.1760G>T on transcript NM_001377.3 (MANE Select); coding-DNA position 1760, G replaced by T.
Protein change: p.Arg587Leu; replaces arginine 587 with leucine.
Molecular consequence: missense variant.
Genome position (GRCh38, 1-based): chr11:103,125,198, G>T. VCF-style: chr11-103125198-G-T. GRCh37 (hg19) VCF-style: chr11-102995927-G-T.
Other names: c.1760G>T, p.Arg587Leu (NM_001080463.2); short protein forms R587L.
Identifiers: ClinVar variation 1316079 (VCV001316079.2), dbSNP rs1238414767, ClinGen allele CA382255075.

ClinVar aggregate classification (germline): Uncertain significance (1 of 4 stars; one submission).

gnomAD v4.1: 1 of 1,613,502 alleles (0.000062%); no homozygotes.

Submission:

GeneDx
Classification: Uncertain significance. Last evaluated: 2020-02-05. Review status: criteria provided, single submitter. Criteria: GeneDx Variant Classification Process June 2021. Collection method: clinical testing. Allele origin: germline. Affected: yes.
Comment: Not observed in large population cohorts (Lek et al., 2016); In silico analysis supports that this missense variant has a deleterious effect on protein structure/function; Has not been previously published as pathogenic or benign to our knowledge